The following is an entry in ClinVar:

NM_007254.4(PNKP):c.937-2A>G

Gene: PNKP (polynucleotide kinase 3'-phosphatase; minus strand). Cytogenetic location: 19q13.33.
Variant type: single nucleotide variant.
Coding change: c.937-2A>G on transcript NM_007254.4 (MANE Select); the canonical splice acceptor site of the intron before coding-DNA position 937, A replaced by G.
Molecular consequence: splice acceptor variant.
Genome position (GRCh38, 1-based): chr19:49,862,465, T>C on the plus strand (A>G on the coding strand, the complement: PNKP is on the minus strand). VCF-style: chr19-49862465-T-C. GRCh37 (hg19) VCF-style: chr19-50365722-T-C.
Identifiers: ClinVar variation 589305 (VCV000589305.5), dbSNP rs1568660279, ClinGen allele CA406881645.
Genomic context (GRCh38, chr19:49,862,465, plus strand): 5'-GGCCACTTGAGAAAGAACTCCTCAGGCGTGGCGAAGGGCAGGCCAAGGTTGAGGGCAAAC[T>C]AGGGGTTGAGGACGAACATCAGACACAGGCCAGGGTCGGGCTCGGGCGCGGGGCAGGGGG-3'

ClinVar aggregate classification (germline): Likely pathogenic (1 of 4 stars; one submission).

Conditions:
Inborn genetic diseases. Identifiers: MedGen C0950123, MeSH D030342.

Submission:

Ambry Genetics
Classification: Likely pathogenic for Inborn genetic diseases. Last evaluated: 2016-06-23. Review status: criteria provided, single submitter. Criteria: Ambry Variant Classification Scheme 2023. Collection method: clinical testing. Allele origin: germline.
Comment: The c.937-2A>G intronic variant results from an A to G substitution two nucleotides upstream from coding exon 10 in the PNKP gene. This variant was not reported in population based cohorts in the following databases: Database of Single Nucleotide Polymorphisms (dbSNP), NHLBI Exome Sequencing Project (ESP), and 1000 Genomes Project. In the ESP, this variant was not observed in 6490 samples (12980 alleles) with coverage at this position. This nucleotide position is highly conserved in available vertebrate species. Using the BDGP and ESEfinder splice site prediction tools, this alteration is predicted to abolish the native splice acceptor site; however, direct evidence is unavailable. Alterations that disrupt the canonical splice acceptor site are typically deleterious in nature (ACMG Recommendations for Standards for Interpretation and Reporting of Sequence Variations. Revision 2007. Genet Med. 2008;10:294). As such, the c.937-2A>G variant is classified as likely pathogenic.